The following is an entry in ClinVar:

NM_078470.6(COX15):c.926C>T (p.Ser309Phe)

Gene: COX15 (cytochrome c oxidase assembly homolog COX15; minus strand). Cytogenetic location: 10q24.2.
Variant type: single nucleotide variant.
Coding change: c.926C>T on transcript NM_078470.6 (MANE Select); coding-DNA position 926, C replaced by T.
Protein change: p.Ser309Phe; replaces serine 309 with phenylalanine.
Molecular consequence: missense variant. On other transcripts: intron variant (2).
Genome position (GRCh38, 1-based): chr10:99,718,407, G>A on the plus strand (C>T on the coding strand, the complement: COX15 is on the minus strand). VCF-style: chr10-99718407-G-A. GRCh37 (hg19) VCF-style: chr10-101478164-G-A.
Other names: c.926C>T, p.Ser309Phe (NM_001320974.2, NM_001372024.1, NM_001372025.1 and 2 more transcripts); c.389C>T, p.Ser130Phe (NM_001320976.2); c.899C>T, p.Ser300Phe (NM_001372026.1); c.833-1946C>T (NM_001372028.1, NM_001320975.2); short protein forms S309F, S130F, S300F.
Identifiers: ClinVar variation 2143991 (VCV002143991.2), dbSNP rs1278838654, ClinGen allele CA378102101.

ClinVar aggregate classification (germline): Uncertain significance. Review status: criteria provided, multiple submitters, no conflicts (2 of 4 stars). 2 submissions from 2 submitters: Uncertain significance (2). Last evaluated 2024-05-30.

Conditions:
Inborn genetic diseases. Identifiers: MedGen C0950123, MeSH D030342.

Allele frequency attached by ClinVar (database versions not stated): gnomAD 0.00001; TOPMed 0.00006.
gnomAD v4.1: 30 of 1,613,972 alleles (0.0019%); highest among the groups gnomAD compares: South Asian, 0.0022%; no homozygotes.

Submissions (2):

Ambry Genetics
Classification: Uncertain significance for Inborn genetic diseases. Last evaluated: 2024-05-30. Review status: criteria provided, single submitter. Criteria: Ambry Variant Classification Scheme 2023. Collection method: clinical testing. Allele origin: germline.

Labcorp Genetics (formerly Invitae), Labcorp
Classification: Uncertain significance. Last evaluated: 2022-06-10. Review status: criteria provided, single submitter. Criteria: Invitae Variant Classification Sherloc (09022015). Collection method: clinical testing. Allele origin: germline.
Comment: This sequence change replaces serine, which is neutral and polar, with phenylalanine, which is neutral and non-polar, at codon 309 of the COX15 protein (p.Ser309Phe). This variant is present in population databases (no rsID available, gnomAD 0.007%). This variant has not been reported in the literature in individuals affected with COX15-related conditions. Algorithms developed to predict the effect of missense changes on protein structure and function are either unavailable or do not agree on the potential impact of this missense change (SIFT: "Not Available"; PolyPhen-2: "Possibly Damaging"; Align-GVGD: "Not Available"). In summary, the available evidence is currently insufficient to determine the role of this variant in disease. Therefore, it has been classified as a Variant of Uncertain Significance.